The following is an entry in ClinVar:

ClinVar aggregate classification (germline): Uncertain significance (1 of 4 stars; one submission).

Conditions:
Malignant hyperthermia, susceptibility to, 5 (MHS5). Also called: CACNA1S-Related Malignant Hyperthermia Susceptibility. Identifiers: Orphanet 423, MedGen C1866077, MONDO:0011163, OMIM 601887.

Submission:

Color Diagnostics, LLC DBA Color Health
Classification: Uncertain significance for Malignant hyperthermia, susceptibility to, 5. Last evaluated: 2025-07-25. Review status: criteria provided, single submitter. Criteria: ACMG Guidelines, 2015. Collection method: clinical testing. Allele origin: germline.
Comment: This missense variant replaces arginine with histidine at codon 498 of the CACNA1S protein. To our knowledge, functional studies have not been reported for this variant. This variant has not been reported in individuals affected with CACNA1S-related disorders in the literature. This variant has not been identified in the general population by the Genome Aggregation Database (gnomAD). The available evidence is insufficient to determine the role of this variant in disease conclusively. Therefore, this variant is classified as a Variant of Uncertain Significance.

NM_000069.3(CACNA1S):c.1491_1493delinsTCA (p.Arg498His)

Gene: CACNA1S (calcium voltage-gated channel subunit alpha1 S; minus strand). Cytogenetic location: 1q32.1.
Variant type: Indel.
Coding change: c.1491_1493delinsTCA on transcript NM_000069.3 (MANE Select); coding-DNA positions 1491 to 1493, CCG replaced by TCA.
Protein change: p.Arg498His; replaces arginine 498 with histidine.
Molecular consequence: missense variant.
Genome position (GRCh38, 1-based): chr1:201,078,005-201,078,007, CGG replaced by TGA on the plus strand (CCG replaced by TCA on the coding strand, the reverse complement: CACNA1S is on the minus strand). VCF-style: chr1-201078005-CGG-TGA. GRCh37 (hg19) VCF-style: chr1-201047133-CGG-TGA.
Other names: short protein forms R498H.
Identifiers: ClinVar variation 4759073 (VCV004759073.1).